The following is an entry in ClinVar:

NM_002471.4(MYH6):c.3561C>A (p.His1187Gln)

Gene: MYH6 (myosin heavy chain 6; minus strand). Cytogenetic location: 14q11.2.
Variant type: single nucleotide variant.
Coding change: c.3561C>A on transcript NM_002471.4 (MANE Select); coding-DNA position 3561, C replaced by A.
Protein change: p.His1187Gln; replaces histidine 1187 with glutamine.
Molecular consequence: missense variant.
Genome position (GRCh38, 1-based): chr14:23,390,228, G>T on the plus strand (C>A on the coding strand, the complement: MYH6 is on the minus strand). VCF-style: chr14-23390228-G-T. GRCh37 (hg19) VCF-style: chr14-23859437-G-T.
Other names: short protein forms H1187Q.
Identifiers: ClinVar variation 1966439 (VCV001966439.5), dbSNP rs753132634, ClinGen allele CA389005975.

ClinVar aggregate classification (germline): Uncertain significance (1 of 4 stars; one submission).

Conditions:
Hypertrophic cardiomyopathy 14. Identifiers: MedGen C2750467, MONDO:0013197, OMIM 613251.

Submission:

Labcorp Genetics (formerly Invitae), Labcorp
Classification: Uncertain significance for Hypertrophic cardiomyopathy 14. Last evaluated: 2023-11-27. Review status: criteria provided, single submitter. Criteria: Invitae Variant Classification Sherloc (09022015). Collection method: clinical testing. Allele origin: germline.
Comment: This sequence change replaces histidine, which is basic and polar, with glutamine, which is neutral and polar, at codon 1187 of the MYH6 protein (p.His1187Gln). This variant is not present in population databases (gnomAD no frequency). This variant has not been reported in the literature in individuals affected with MYH6-related conditions. ClinVar contains an entry for this variant (Variation ID: 1966439). Advanced modeling of protein sequence and biophysical properties (such as structural, functional, and spatial information, amino acid conservation, physicochemical variation, residue mobility, and thermodynamic stability) performed at Invitae indicates that this missense variant is expected to disrupt MYH6 protein function with a positive predictive value of 80%. In summary, the available evidence is currently insufficient to determine the role of this variant in disease. Therefore, it has been classified as a Variant of Uncertain Significance.